The following is an entry in ClinVar:

ClinVar aggregate classification (germline): Uncertain significance. Review status: criteria provided, multiple submitters, no conflicts (2 of 4 stars). 2 submissions from 2 submitters: Uncertain significance (2). Last evaluated 2026-04-08.

Allele frequency attached by ClinVar (database versions not stated): TOPMed below 0.00001.

Submissions (2):

Greenwood Genetic Center Diagnostic Laboratories, Greenwood Genetic Center
Classification: Uncertain significance. Last evaluated: 2026-04-08. Review status: criteria provided, single submitter. Criteria: ACMG Guidelines, 2015. Collection method: clinical testing. Allele origin: germline.
Comment: PM2

Ambry Genetics
Classification: Uncertain significance. Last evaluated: 2022-04-07. Review status: criteria provided, single submitter. Criteria: Ambry Variant Classification Scheme 2023. Collection method: clinical testing. Allele origin: germline.

NM_004319.3(ASTN1):c.3073G>C (p.Val1025Leu)

Gene: ASTN1 (astrotactin 1; minus strand). Cytogenetic location: 1q25.2.
Variant type: single nucleotide variant.
Coding change: c.3073G>C on transcript NM_004319.3 (MANE Select); coding-DNA position 3073, G replaced by C.
Protein change: p.Val1025Leu; replaces valine 1025 with leucine.
Molecular consequence: missense variant.
Genome position (GRCh38, 1-based): chr1:176,888,072, C>G on the plus strand (G>C on the coding strand, the complement: ASTN1 is on the minus strand). VCF-style: chr1-176888072-C-G. GRCh37 (hg19) VCF-style: chr1-176857208-C-G.
Other names: c.3073G>C, p.Val1025Leu (NM_001286164.2, NM_207108.3); c.3097G>C, p.Val1033Leu (NM_001364856.2); short protein forms V1033L, V1025L.
Identifiers: ClinVar variation 2281818 (VCV002281818.3), dbSNP rs1204954294, ClinGen allele CA343491304.